The following is an entry in ClinVar:

ClinVar aggregate classification (germline): Uncertain significance. Review status: criteria provided, multiple submitters, no conflicts (2 of 4 stars). 2 submissions from 2 submitters: Uncertain significance (2). Last evaluated 2024-11-11.

Conditions:
Alstrom syndrome (ALMS). Identifiers: Orphanet 64, MedGen C0268425, MONDO:0008763, OMIM 203800.
Cardiovascular phenotype. Identifiers: MedGen CN230736.

Allele frequency attached by ClinVar (database versions not stated): gnomAD exomes below 0.00001.
gnomAD v4.1: 3 of 1,609,158 alleles (0.00019%); highest among the groups gnomAD compares: African/African-American, 0.0013%; no homozygotes.

Submissions (2):

Labcorp Genetics (formerly Invitae), Labcorp
Classification: Uncertain significance for Alstrom syndrome. Last evaluated: 2024-11-11. Review status: criteria provided, single submitter. Criteria: Invitae Variant Classification Sherloc (09022015). Collection method: clinical testing. Allele origin: germline.
Comment: This sequence change replaces aspartic acid, which is acidic and polar, with asparagine, which is neutral and polar, at codon 3496 of the ALMS1 protein (p.Asp3496Asn). This variant is not present in population databases (gnomAD no frequency). This variant has not been reported in the literature in individuals affected with ALMS1-related conditions. ClinVar contains an entry for this variant (Variation ID: 1503841). Experimental studies and prediction algorithms are not available or were not evaluated, and the functional significance of this variant is currently unknown. In summary, the available evidence is currently insufficient to determine the role of this variant in disease. Therefore, it has been classified as a Variant of Uncertain Significance.

Ambry Genetics
Classification: Uncertain significance for Cardiovascular phenotype. Last evaluated: 2023-08-21. Review status: criteria provided, single submitter. Criteria: Ambry Variant Classification Scheme 2023. Collection method: clinical testing. Allele origin: germline.
Comment: The p.D3496N variant (also known as c.10486G>A), located in coding exon 16 of the ALMS1 gene, results from a G to A substitution at nucleotide position 10486. The aspartic acid at codon 3496 is replaced by asparagine, an amino acid with highly similar properties. This amino acid position is highly conserved in available vertebrate species. In addition, this alteration is predicted to be tolerated by in silico analysis. Since supporting evidence is limited at this time, the clinical significance of this alteration remains unclear.

NM_001378454.1(ALMS1):c.10483G>A (p.Asp3495Asn)

Gene: ALMS1 (ALMS1 centrosome and basal body associated protein; plus strand). Cytogenetic location: 2p13.1.
Variant type: single nucleotide variant.
Coding change: c.10483G>A on transcript NM_001378454.1 (MANE Select); coding-DNA position 10483, G replaced by A.
Protein change: p.Asp3495Asn; replaces aspartic acid 3495 with asparagine.
Molecular consequence: missense variant.
Genome position (GRCh38, 1-based): chr2:73,572,360, G>A. VCF-style: chr2-73572360-G-A. GRCh37 (hg19) VCF-style: chr2-73799487-G-A.
Other names: c.10486G>A, p.Asp3496Asn (NM_015120.4); short protein forms D3495N, D3496N.
Identifiers: ClinVar variation 1503841 (VCV001503841.7), dbSNP rs533617405, ClinGen allele CA347283134.